The following is an entry in ClinVar:

NM_000478.6(ALPL):c.1375G>A (p.Val459Met)

Gene: ALPL (alkaline phosphatase, biomineralization associated; plus strand). Cytogenetic location: 1p36.12.
Variant type: single nucleotide variant.
Coding change: c.1375G>A on transcript NM_000478.6 (MANE Select); coding-DNA position 1375, G replaced by A.
Protein change: p.Val459Met; replaces valine 459 with methionine.
Molecular consequence: missense variant.
Genome position (GRCh38, 1-based): chr1:21,577,448, G>A. VCF-style: chr1-21577448-G-A. GRCh37 (hg19) VCF-style: chr1-21903941-G-A.
Other names: c.1210G>A, p.Val404Met (NM_001127501.4); c.1144G>A, p.Val382Met (NM_001177520.3); c.1375G>A, p.Val459Met (NM_001369803.2, NM_001369804.2, NM_001369805.2); c.1375G>A (NM_000478.5); short protein forms V459M, V382M, V404M.
Identifiers: ClinVar variation 554044 (VCV000554044.15), dbSNP rs1054159992, ClinGen allele CA19072056.
Genomic context (GRCh38, chr1:21,577,448, plus strand): 5'-AACAACTACCAGGCGCAGTCTGCTGTGCCCCTGCGCCACGAGACCCACGGCGGGGAGGAC[G>A]TGGCCGTCTTCTCCAAGGGCCCCATGGCGCACCTGCTGCACGGCGTCCACGAGCAGAACT-3'
Protein context (NP_000469.3, residues 449-469): LRHETHGGED[Val459Met]AVFSKGPMAH

ClinVar aggregate classification (germline): Pathogenic/Likely pathogenic. Review status: criteria provided, multiple submitters, no conflicts (2 of 4 stars). 8 submissions from 8 submitters: Pathogenic (5); Likely pathogenic (2). 1 of the submissions does not count toward it. Last evaluated 2026-09-02.

Conditions:
Childhood hypophosphatasia. Identifiers: Orphanet 247667, Orphanet 436, MedGen C0220743, MONDO:1010168, OMIM 241510, MONDO:0009428.
Infantile hypophosphatasia. Identifiers: Orphanet 247651, Orphanet 436, MedGen C0268412, MONDO:1010169, OMIM 241500, MONDO:0009427.
Adult hypophosphatasia. Identifiers: Orphanet 247676, Orphanet 436, MedGen C0268413, MONDO:1010154, OMIM 146300, MONDO:0007798.
Hypophosphatasia. Also called: Phosphoethanol-aminuria. Identifiers: Orphanet 436, MedGen C0020630, MeSH D007014, MONDO:0018570.
Paediatric disorders.

Allele frequency attached by ClinVar (database versions not stated): gnomAD 0.00001.
gnomAD v4.1: 5 of 1,611,776 alleles (0.00031%); highest among the groups gnomAD compares: African/African-American, 0.0013%; no homozygotes.

Submissions (8):

Myriad Genetics, Inc.
Classification: Likely pathogenic for Hypophosphatasia. Last evaluated: 2026-09-02. Review status: criteria provided, single submitter. Criteria: Myriad Autosomal Dominant, Autosomal Recessive and X-Linked Classification Criteria (2023). Collection method: clinical testing. Allele origin: unknown.
Comment: NM_000478.4(ALPL):c.1375G>A(V459M) is a missense variant classified as likely pathogenic in the context of hypophosphatasia. Please note that V459M is associated with autosomal dominant hypophosphatasia. The reproductive risk may be as high as 50%. V459M has been observed in cases with relevant disease (PMID: 11438998, 32309015, 36361766, 32879991, 27699270, 31707452, 30788858, 32088736, 38707809, 33404770). Relevant functional assessments of this variant are available in the literature (PMID: 31707452). V459M has not been observed in referenced population frequency databases. In summary, NM_000478.4(ALPL):c.1375G>A(V459M) is a missense variant that has internal structural support for pathogenicity and has been observed more frequently in cases with the relevant disease than in healthy populations. Please note: this variant was assessed in the context of healthy population screening.

NHS Central & South Genomic Laboratory Hub
Classification: Pathogenic for Paediatric disorders. Last evaluated: 2026-04-22. Review status: criteria provided, single submitter. Criteria: ACMG Guidelines, 2015. Collection method: clinical testing. Allele origin: germline. Affected: yes.

Labcorp Genetics (formerly Invitae), Labcorp
Classification: Pathogenic. Last evaluated: 2025-12-15. Review status: criteria provided, single submitter. Criteria: Invitae Variant Classification Sherloc (09022015). Collection method: clinical testing. Allele origin: germline.
Comment: This sequence change replaces valine, which is neutral and non-polar, with methionine, which is neutral and non-polar, at codon 459 of the ALPL protein (p.Val459Met). This variant is not present in population databases (gnomAD no frequency). This missense change has been observed in individuals with ALPL-related conditions (PMID: 11438998, 27699270, 31707452). ClinVar contains an entry for this variant (Variation ID: 554044). Invitae Evidence Modeling of protein sequence and biophysical properties (such as structural, functional, and spatial information, amino acid conservation, physicochemical variation, residue mobility, and thermodynamic stability) indicates that this missense variant is expected to disrupt ALPL protein function with a positive predictive value of 95%. Experimental studies have shown that this missense change affects ALPL function (PMID: 31707452). This variant disrupts the p.Val459 amino acid residue in ALPL. Other variant(s) that disrupt this residue have been observed in individuals with ALPL-related conditions (PMID: 19500388, 29724887), which suggests that this may be a clinically significant amino acid residue. For these reasons, this variant has been classified as Pathogenic.

Natera, Inc.
Classification: Pathogenic for Hypophosphatasia. Last evaluated: 2025-11-12. Review status: criteria provided, single submitter. Criteria: Natera Variant Classification Schema (03/2026). Collection method: clinical testing. Allele origin: germline.
Comment: The c.1375G>A variant in ALPL is a missense variant predicted to cause substitution of valine to methionine at amino acid 459. This variant is rare in the general population with a frequency below the threshold expected for the associated phenotype(s). This variant has been observed in one or more individuals affected with the associated recessive disease, as either homozygous or compound heterozygous with a second variant (PMID: 32309015, 36361766). This variant has been observed in affected individual(s) with monoallelic occurrence (heterozygous/hemizygous) (PMID: 31707452, 30788858, 33404770, 32088736). Functional studies show that this variant may disrupt protein function (PMID: 31707452, 31600233). Computational prediction algorithms indicate this variant is likely to affect gene or protein function. Given the available evidence, this variant is classified as Pathogenic.

Genomenon, Inc
Classification: Pathogenic for Hypophosphatasia. Last evaluated: 2025-08-29. Review status: criteria provided, single submitter. Criteria: Genomenon Sequence Variant Interpretation Standards. Collection method: curation. Allele origin: germline. Affected: yes.
Comment: ALPL c.1375G>A is a missense variant that changes the amino acid at residue 459 from Valine to Methionine. This variant has been observed in at least one proband affected with hypophosphatasia (PMID:30788858;31707452;32088736;31600233;36361766;32309015;33404770;11438998). At least one functional study has demonstrated a substantial alteration in protein function relative to the wild-type (PMID:31707452). It is absent or not present at a significant frequency in gnomAD. In silico models agree that this variant is possibly or probably damaging. In conclusion, we classify ALPL p.Val459Met (c.1375G>A) as a pathogenic variant.

Fulgent Genetics
Classification: Likely pathogenic for Adult hypophosphatasia; Infantile hypophosphatasia; Childhood hypophosphatasia. Last evaluated: 2024-05-31. Review status: criteria provided, single submitter. Criteria: ACMG Guidelines, 2015. Collection method: clinical testing. Allele origin: germline.

Women's Health and Genetics/Laboratory Corporation of America, LabCorp
Classification: Pathogenic for Hypophosphatasia. Last evaluated: 2024-04-22. Review status: criteria provided, single submitter. Criteria: LabCorp Variant Classification Summary - May 2015. Collection method: clinical testing. Allele origin: germline.
Comment: Variant summary: ALPL c.1375G>A (p.Val459Met) results in a conservative amino acid change in the encoded protein sequence. Four of five in-silico tools predict a damaging effect of the variant on protein function. The variant was absent in 244600 control chromosomes. c.1375G>A has been reported in the literature in individuals affected with Hypophosphatasia, either at a compound heterozygous state along with a second pathogenic variant, or at a single heterozygous state (example, DelAngel_2020, Michigami_2020, Sankaran_2020, Taillandier_2001). These data indicate that the variant is likely to be associated with disease. At least one publication reports experimental evidence evaluating an impact on protein function. The most pronounced variant effect results in <10% of normal activity in COS7 cells (Michigami_2020). The following publications have been ascertained in the context of this evaluation (PMID: 32160374, 31707452, 32309015, 11438998). ClinVar contains an entry for this variant (Variation ID: 554044). Based on the evidence outlined above, the variant was classified as pathogenic.

Counsyl
Classification: Uncertain significance for Infantile hypophosphatasia. Last evaluated: 2017-10-07. Review status: no assertion criteria provided. Collection method: clinical testing. Allele origin: unknown. Not counted in ClinVar's aggregate classification.

Literature cited by the submitters: PubMed 11438998 (cited by 5 submitters); PubMed 27699270 (cited by 3 submitters); PubMed 30788858 (cited by 3 submitters); PubMed 31707452 (cited by 5 submitters); PubMed 32088736 (cited by 3 submitters); PubMed 32309015 (cited by 4 submitters); PubMed 32879991 (cited by Myriad Genetics, Inc.); PubMed 33404770 (cited by 3 submitters); PubMed 36361766 (cited by 3 submitters); PubMed 38707809 (cited by Myriad Genetics, Inc.); PubMed 19500388 (cited by Labcorp Genetics (formerly Invitae), Labcorp); PubMed 29724887 (cited by Labcorp Genetics (formerly Invitae), Labcorp); PubMed 31600233 (cited by Natera, Inc. and Genomenon, Inc); PubMed 32160374 (cited by Women's Health and Genetics/Laboratory Corporation of America, LabCorp); PubMed 25023282 (cited by Counsyl).